The following is an entry in ClinVar:

NM_003072.5(SMARCA4):c.492G>T (p.Gln164His)

Gene: SMARCA4 (SWI/SNF related BAF chromatin remodeling complex subunit ATPase 4; plus strand). Cytogenetic location: 19p13.2.
Variant type: single nucleotide variant.
Coding change: c.492G>T on transcript NM_003072.5 (MANE Select); coding-DNA position 492, G replaced by T.
Protein change: p.Gln164His; replaces glutamine 164 with histidine.
Molecular consequence: missense variant. On other transcripts: non-coding transcript variant (1).
Genome position (GRCh38, 1-based): chr19:10,986,325, G>T. VCF-style: chr19-10986325-G-T. GRCh37 (hg19) VCF-style: chr19-11097001-G-T.
Other names: c.492G>T, p.Gln164His (NM_001128844.3, NM_001128845.2, NM_001128846.2 and 5 more transcripts); short protein forms Q164H.
Identifiers: ClinVar variation 537826 (VCV000537826.11), dbSNP rs1555753201, ClinGen allele CA404056133.

ClinVar aggregate classification (germline): Uncertain significance. Review status: criteria provided, multiple submitters, no conflicts (2 of 4 stars). 2 submissions from 2 submitters: Uncertain significance (2). Last evaluated 2017-08-30.

Conditions:
Hereditary cancer-predisposing syndrome. Also called: Tumor predisposition; Hereditary Cancer Syndrome; Hereditary neoplastic syndrome; Neoplastic Syndromes, Hereditary. Identifiers: Orphanet 140162, MedGen C0027672, MeSH D009386, MONDO:0015356.
Rhabdoid tumor predisposition syndrome 2 (RTPS2). Identifiers: Orphanet 231108, Orphanet 69077, MedGen C2750074, MONDO:0013224, OMIM 613325.

Submissions (2):

Labcorp Genetics (formerly Invitae), Labcorp
Classification: Uncertain significance for Rhabdoid tumor predisposition syndrome 2. Last evaluated: 2017-08-30. Review status: criteria provided, single submitter. Criteria: Invitae Variant Classification Sherloc (09022015). Collection method: clinical testing. Allele origin: germline.
Comment: In summary, the available evidence is currently insufficient to determine the role of this variant in disease. Therefore, it has been classified as a Variant of Uncertain Significance. Algorithms developed to predict the effect of missense changes on protein structure and function do not agree on the potential impact of this missense change (SIFT: "Deleterious"; PolyPhen-2: "Benign"; Align-GVGD: "Class C0"). This variant has not been reported in the literature in individuals with SMARCA4-related disease. This variant is not present in population databases (ExAC no frequency). This sequence change replaces glutamine with histidine at codon 164 of the SMARCA4 protein (p.Gln164His). The glutamine residue is highly conserved and there is a small physicochemical difference between glutamine and histidine.

Ambry Genetics
Classification: Uncertain significance for Hereditary cancer-predisposing syndrome. Last evaluated: 2016-09-10. Review status: criteria provided, single submitter. Criteria: Ambry Variant Classification Scheme 2023. Collection method: clinical testing. Allele origin: germline.
Comment: The p.Q164H variant (also known as c.492G>T), located in coding exon 3 of the SMARCA4 gene, results from a G to T substitution at nucleotide position 492. The glutamine at codon 164 is replaced by histidine, an amino acid with highly similar properties. This variant was not reported in population based cohorts in the following databases: Database of Single Nucleotide Polymorphisms (dbSNP), NHLBI Exome Sequencing Project (ESP), and 1000 Genomes Project. In the ESP, this variant was not observed in 6502 samples (13004 alleles) with coverage at this position. To date, this alteration has been detected with an allele frequency of approximately 0.001% (greater than 100000 alleles tested) in our clinical cohort. This amino acid position is well conserved in available vertebrate species. In addition, this alteration is predicted to be tolerated by in silico analysis. Since supporting evidence is limited at this time, the clinical significance of this alteration remains unclear.